The following is an entry in ClinVar:

NM_000051.4(ATM):c.1066-3C>T

Gene: ATM (ATM serine/threonine kinase; plus strand). Cytogenetic location: 11q22.3.
Variant type: single nucleotide variant.
Coding change: c.1066-3C>T on transcript NM_000051.4 (MANE Select); 3 bases into the intron before coding-DNA position 1066, C replaced by T.
Molecular consequence: intron variant.
Genome position (GRCh38, 1-based): chr11:108,248,930, C>T. VCF-style: chr11-108248930-C-T. GRCh37 (hg19) VCF-style: chr11-108119657-C-T.
Other names: c.1066-3C>T (NM_001351834.2).
Identifiers: ClinVar variation 629097 (VCV000629097.14), dbSNP rs1565378708, ClinGen allele CA913188372.

ClinVar aggregate classification (germline): Uncertain significance. Review status: criteria provided, multiple submitters, no conflicts (2 of 4 stars). 4 submissions from 4 submitters: Uncertain significance (4). Last evaluated 2026-02-11.

Conditions:
Hereditary cancer-predisposing syndrome. Also called: Tumor predisposition; Neoplastic Syndromes, Hereditary; Hereditary Cancer Syndrome; Hereditary neoplastic syndrome. Identifiers: Orphanet 140162, MedGen C0027672, MeSH D009386, MONDO:0015356.
Ataxia-telangiectasia syndrome (AT). Also called: ATAXIA-TELANGIECTASIA, COMPLEMENTATION GROUP A; ATAXIA-TELANGIECTASIA, FRESNO VARIANT; LOUIS-BAR SYNDROME; Ataxia telangiectasia (A-T); Cerebello-oculocutaneous telangiectasia; Immunodeficiency with ataxia telangiectasia. Identifiers: Orphanet 100, MedGen C0004135, MONDO:0008840, OMIM 208900.

Allele frequency attached by ClinVar (database versions not stated): gnomAD exomes below 0.00001.
gnomAD v4.1: 2 of 1,586,428 alleles (0.00013%); highest among the groups gnomAD compares: Non-Finnish European, 0.00017%; no homozygotes.

Submissions (4):

St. Jude Molecular Pathology, St. Jude Children's Research Hospital
Classification: Uncertain significance for Ataxia-telangiectasia syndrome. Last evaluated: 2026-02-11. Review status: criteria provided, single submitter. Criteria: St. Jude Assertion Criteria 2020. Collection method: clinical testing. Allele origin: germline.
Comment: The ATM c.1066-3C>T intronic change results in a C to T substitution at the -3 position of intron 8 of the ATM gene. Algorithms that predict the impact of sequence changes on splicing indicate that this change may impact splicing, but to our knowledge this prediction has not been confirmed by functional studies. This variant is absent in gnomAD v2.1.1. To our knowledge, this variant has not been reported in individuals with ataxia telangiectasia. In summary, the evidence currently available is insufficient to determine the clinical significance of this variant. It has therefore been classified as of uncertain significance.

Center for Genomic Medicine, Rigshospitalet, Copenhagen University Hospital
Classification: Uncertain significance. Last evaluated: 2025-03-04. Review status: criteria provided, single submitter. Criteria: ACMG Guidelines, 2015. Collection method: clinical testing. Allele origin: germline.

Labcorp Genetics (formerly Invitae), Labcorp
Classification: Uncertain significance for Ataxia-telangiectasia syndrome. Last evaluated: 2024-11-20. Review status: criteria provided, single submitter. Criteria: Invitae Variant Classification Sherloc (09022015). Collection method: clinical testing. Allele origin: germline.
Comment: This sequence change falls in intron 8 of the ATM gene. It does not directly change the encoded amino acid sequence of the ATM protein. It affects a nucleotide within the consensus splice site. This variant is not present in population databases (gnomAD no frequency). This variant has not been reported in the literature in individuals affected with ATM-related conditions. ClinVar contains an entry for this variant (Variation ID: 629097). Variants that disrupt the consensus splice site are a relatively common cause of aberrant splicing (PMID: 17576681, 9536098). Studies have shown this variant is associated with skipping of exon 9, but one or more of the resulting mRNA isoform(s) may be naturally occurring (internal data). In summary, the available evidence is currently insufficient to determine the role of this variant in disease. Therefore, it has been classified as a Variant of Uncertain Significance.

Color Diagnostics, LLC DBA Color Health
Classification: Uncertain significance for Hereditary cancer-predisposing syndrome. Last evaluated: 2020-11-24. Review status: criteria provided, single submitter. Criteria: ACMG Guidelines, 2015. Collection method: clinical testing. Allele origin: germline.
Comment: This variant causes a C to T nucleotide substitution at the -3 position of intron 8 of the ATM gene. Splice site prediction tools suggest that this variant may not impact RNA splicing. However, this prediction has not been confirmed in published RNA studies. To our knowledge, this variant has not been reported in individuals affected with hereditary cancer in the literature. This variant has not been identified in the general population by the Genome Aggregation Database (gnomAD). The available evidence is insufficient to determine the role of this variant in disease conclusively. Therefore, this variant is classified as a Variant of Uncertain Significance.

Literature cited by the submitters: PubMed 17576681 (cited by Labcorp Genetics (formerly Invitae), Labcorp); PubMed 9536098 (cited by Labcorp Genetics (formerly Invitae), Labcorp).